The following is an entry in ClinVar:

NM_000038.6(APC):c.645+1595G>A

Gene: APC (APC regulator of WNT signaling pathway; plus strand). Cytogenetic location: 5q22.2.
Variant type: single nucleotide variant.
Coding change: c.645+1595G>A on transcript NM_000038.6 (MANE Select); 1595 bases into the intron after coding-DNA position 645, G replaced by A.
Molecular consequence: intron variant.
Genome position (GRCh38, 1-based): chr5:112,782,498, G>A. VCF-style: chr5-112782498-G-A. GRCh37 (hg19) VCF-style: chr5-112118195-G-A.
Other names: c.645+1595G>A (NM_001354895.2, NM_001127510.3, NM_001354896.2 and 2 more transcripts); c.675+1595G>A (NM_001354897.2, NM_001354902.2, NM_001127511.3); c.570+1595G>A (NM_001354898.2, NM_001354904.2); c.-391+1595G>A (NM_001354906.2); c.468+1595G>A (NM_001354900.2, NM_001354901.2, NM_001354905.2).
Identifiers: ClinVar variation 82948 (VCV000082948.2), dbSNP rs2431242, ClinGen allele CA011272.
Genomic context (GRCh38, chr5:112,782,498, plus strand): 5'-GGTGCTACTAAAACACCAGTACCATACTACATTTCATAGTCCATACATGTTAGTTTCATA[G>A]TGAAGGTTAAGATCATAATGAGGTTGGGGGCTTAACTAGTGTTTGTGTGCATGTGCATGT-3'

ClinVar aggregate classification (germline): other (0 of 4 stars; one submission).

Conditions:
Familial colorectal cancer. Identifiers: MedGen CN280943, MONDO:0023113. Disease mechanism: loss of function.

Allele frequency attached by ClinVar (database versions not stated): gnomAD 0.52316 and 0.53320; TOPMed 0.54669; 1000 Genomes Project 30x 0.61227; 1000 Genomes Project 0.61721.
gnomAD v4.1: 81,035 of 151,900 alleles (53%); highest among the groups gnomAD compares: East Asian, 88%; 22,338 homozygotes.

Submission:

Systems Biology Platform Zhejiang California International NanoSystems Institute
Classification: other for Familial colorectal cancer. Review status: no assertion criteria provided. Collection method: not provided. Allele origin: unknown.
ClinVar note: Converted during submission from cancer to other.